The following is an entry in ClinVar:

ClinVar aggregate classification (germline): Uncertain significance (1 of 4 stars; one submission).

Conditions:
Inborn genetic diseases. Identifiers: MedGen C0950123, MeSH D030342.

gnomAD v4.1: 2 of 1,613,334 alleles (0.00012%); highest among the groups gnomAD compares: South Asian, 0.0011%; no homozygotes.

Submission:

Ambry Genetics
Classification: Uncertain significance for Inborn genetic diseases. Last evaluated: 2024-03-24. Review status: criteria provided, single submitter. Criteria: Ambry Variant Classification Scheme 2023. Collection method: clinical testing. Allele origin: germline.
Comment: The p.L3V variant (also known as c.7C>G), located in coding exon 2 of the ERCC2 gene, results from a C to G substitution at nucleotide position 7. The leucine at codon 3 is replaced by valine, an amino acid with highly similar properties. This amino acid position is conserved. In addition, the in silico prediction for this alteration is inconclusive. Based on the available evidence, the clinical significance of this alteration remains unclear.

NM_000400.4(ERCC2):c.7C>G (p.Leu3Val)

Gene: ERCC2 (ERCC excision repair 2, TFIIH core complex helicase subunit; minus strand). Cytogenetic location: 19q13.32.
Variant type: single nucleotide variant.
Coding change: c.7C>G on transcript NM_000400.4 (MANE Select); coding-DNA position 7, C replaced by G.
Protein change: p.Leu3Val; replaces leucine 3 with valine.
Molecular consequence: missense variant. On other transcripts: 5 prime UTR variant (1).
Genome position (GRCh38, 1-based): chr19:45,370,231, G>C on the plus strand (C>G on the coding strand, the complement: ERCC2 is on the minus strand). VCF-style: chr19-45370231-G-C. GRCh37 (hg19) VCF-style: chr19-45873489-G-C.
Other names: c.-66C>G (NM_001130867.2); short protein forms L3V.
Identifiers: ClinVar variation 3276252 (VCV003276252.1).
Genomic context (GRCh38, chr19:45,370,231, plus strand): 5'-AGAACTGCTCGGGGTAGATGTAGTCGTACGGGAAGTAGACCAGGAGCCCGTCCACGTTGA[G>C]CCTGGCGGCAGGGGCTGCTGGGTCAGTTCCCGTCCCCTCAGCCCCTCTCCCGCCTCCACA-3'
Protein context (NP_000391.1, residues 1-13): MK[Leu3Val]NVDGLLVYFP